The following is an entry in ClinVar:

NM_000428.3(LTBP2):c.5188G>A (p.Glu1730Lys)

Gene: LTBP2 (latent transforming growth factor beta binding protein 2; minus strand). Cytogenetic location: 14q24.3.
Variant type: single nucleotide variant.
Coding change: c.5188G>A on transcript NM_000428.3 (MANE Select); coding-DNA position 5188, G replaced by A.
Protein change: p.Glu1730Lys; replaces glutamic acid 1730 with lysine.
Molecular consequence: missense variant.
Genome position (GRCh38, 1-based): chr14:74,501,573, C>T on the plus strand (G>A on the coding strand, the complement: LTBP2 is on the minus strand). VCF-style: chr14-74501573-C-T. GRCh37 (hg19) VCF-style: chr14-74968276-C-T.
Other names: c.5188G>A (NM_000428.2); short protein forms E1730K.
Identifiers: ClinVar variation 2298904 (VCV002298904.7), dbSNP rs749894277, ClinGen allele CA7268483.

ClinVar aggregate classification (germline): Uncertain significance. Review status: criteria provided, multiple submitters, no conflicts (2 of 4 stars). 2 submissions from 2 submitters: Uncertain significance (2). Last evaluated 2025-12-11.

Conditions:
Inborn genetic diseases. Identifiers: MedGen C0950123, MeSH D030342.

Allele frequency attached by ClinVar (database versions not stated): ExAC 0.00003; gnomAD exomes 0.00001; gnomAD 0.00002; TOPMed 0.00003.
gnomAD v4.1: 17 of 1,613,942 alleles (0.0011%); highest among the groups gnomAD compares: Non-Finnish European, 0.0013%; no homozygotes.

Submissions (2):

Ambry Genetics
Classification: Uncertain significance for Inborn genetic diseases. Last evaluated: 2025-12-11. Review status: criteria provided, single submitter. Criteria: Ambry Variant Classification Scheme 2023. Collection method: clinical testing. Allele origin: germline.

Labcorp Genetics (formerly Invitae), Labcorp
Classification: Uncertain significance. Last evaluated: 2022-01-17. Review status: criteria provided, single submitter. Criteria: Invitae Variant Classification Sherloc (09022015). Collection method: clinical testing. Allele origin: germline.
Comment: In summary, the available evidence is currently insufficient to determine the role of this variant in disease. Therefore, it has been classified as a Variant of Uncertain Significance. Algorithms developed to predict the effect of missense changes on protein structure and function (SIFT, PolyPhen-2, Align-GVGD) all suggest that this variant is likely to be disruptive. This variant has not been reported in the literature in individuals affected with LTBP2-related conditions. This variant is present in population databases (rs749894277, gnomAD 0.01%). This sequence change replaces glutamic acid, which is acidic and polar, with lysine, which is basic and polar, at codon 1730 of the LTBP2 protein (p.Glu1730Lys).